The following is an entry in ClinVar:

ClinVar aggregate classification (germline): Pathogenic/Likely pathogenic. Review status: criteria provided, multiple submitters, no conflicts (2 of 4 stars). 2 submissions from 2 submitters: Pathogenic (1); Likely pathogenic (1). Last evaluated 2023-02-01.

Conditions:
OCA2-related disorder. Also called: OCA2-related condition.

Submissions (2):

PreventionGenetics, part of Exact Sciences
Classification: Likely pathogenic for OCA2-related condition. Last evaluated: 2023-02-01. Review status: criteria provided, single submitter. Criteria: ACMG Guidelines, 2015. Collection method: clinical testing. Allele origin: germline.
Comment: The OCA2 c.2224_2237del14 variant is predicted to result in a frameshift and premature protein termination (p.Ile742Tyrfs*14). To our knowledge, this variant has not been reported in the literature or in a large population database, indicating this variant is rare. Frameshift variants in OCA2 are expected to be pathogenic, and therefore we interpret c.2224_2237del (p.Ile742Tyrfs*14) as likely pathogenic.

Labcorp Genetics (formerly Invitae), Labcorp
Classification: Pathogenic. Last evaluated: 2022-12-17. Review status: criteria provided, single submitter. Criteria: Invitae Variant Classification Sherloc (09022015). Collection method: clinical testing. Allele origin: germline.
Comment: This sequence change creates a premature translational stop signal (p.Ile742Tyrfs*14) in the OCA2 gene. It is expected to result in an absent or disrupted protein product. Loss-of-function variants in OCA2 are known to be pathogenic (PMID: 19865097, 21541274). This variant is not present in population databases (gnomAD no frequency). This variant has not been reported in the literature in individuals affected with OCA2-related conditions. For these reasons, this variant has been classified as Pathogenic.

Literature cited by the submitters: PubMed 19865097 (cited by Labcorp Genetics (formerly Invitae), Labcorp); PubMed 21541274 (cited by Labcorp Genetics (formerly Invitae), Labcorp).

NM_000275.3(OCA2):c.2224_2237del (p.Ile742fs)

Gene: OCA2 (OCA2 melanosomal transmembrane protein; minus strand). Cytogenetic location: 15q13.1.
Variant type: Deletion.
Coding change: c.2224_2237del on transcript NM_000275.3 (MANE Select); coding-DNA positions 2224 to 2237, 14 bases deleted (ATCCCGTTCACTGC).
Protein change: p.Ile742fs; shifts the reading frame from isoleucine 742.
Molecular consequence: frameshift variant.
Genome position (GRCh38, 1-based): chr15:27,871,161-27,871,174, GCAGTGAACGGGAT deleted on the plus strand (ATCCCGTTCACTGC on the coding strand, the reverse complement: OCA2 is on the minus strand); deleting any 14 consecutive bases within chr15:27,871,161-27,871,175 gives the same sequence; the c. name uses the placement nearest the transcript's 3' end. VCF-style (leftmost placement, unchanged base first): chr15-27871160-AGCAGTGAACGGGAT-A. GRCh37 (hg19) VCF-style: chr15-28116306-AGCAGTGAACGGGAT-A.
Other names: c.2152_2165del, p.Ile718fs (NM_001300984.2); short protein forms I718fs, I742fs.
Identifiers: ClinVar variation 2630564 (VCV002630564.4), dbSNP rs2036554820, ClinGen allele CA967998046.